The following is an entry in ClinVar:

ClinVar aggregate classification (germline): Conflicting classifications of pathogenicity. Review status: criteria provided, conflicting classifications (1 of 4 stars). 3 submissions from 3 submitters: Uncertain significance (2); Likely benign (1). Last evaluated 2024-07-08.

Conditions:
Hereditary breast ovarian cancer syndrome. Also called: Hereditary breast and/or ovarian cancer syndrome; Hereditary breast and ovarian cancer syndrome (HBOC); Breast and ovarian cancer; Hereditary breast and ovarian cancer; BRCA1- and BRCA2-Associated Hereditary Breast and Ovarian Cancer; Hereditary breast and ovarian cancer syndrome. Identifiers: Orphanet 145, MedGen C0677776, MeSH D061325, MONDO:0003582. Disease mechanism: loss of function.

Allele frequency attached by ClinVar (database versions not stated): TOPMed 0.00001.
gnomAD v4.1: 23 of 1,611,784 alleles (0.0014%); highest among the groups gnomAD compares: Middle Eastern, 0.017%; no homozygotes.

Submissions (3):

Labcorp Genetics (formerly Invitae), Labcorp
Classification: Uncertain significance. Last evaluated: 2024-07-08. Review status: criteria provided, single submitter. Criteria: Invitae Variant Classification Sherloc (09022015). Collection method: clinical testing. Allele origin: germline.
Comment: This sequence change replaces arginine, which is basic and polar, with glutamine, which is neutral and polar, at codon 104 of the RINT1 protein (p.Arg104Gln). This variant is not present in population databases (gnomAD no frequency). This variant has not been reported in the literature in individuals affected with RINT1-related conditions. ClinVar contains an entry for this variant (Variation ID: 830289). Algorithms developed to predict the effect of missense changes on protein structure and function output the following: SIFT: "Not Available"; PolyPhen-2: "Benign"; Align-GVGD: "Not Available". The glutamine amino acid residue is found in multiple mammalian species, which suggests that this missense change does not adversely affect protein function. In summary, the available evidence is currently insufficient to determine the role of this variant in disease. Therefore, it has been classified as a Variant of Uncertain Significance.

Ambry Genetics
Classification: Likely benign. Last evaluated: 2023-11-21. Review status: criteria provided, single submitter. Criteria: Ambry Variant Classification Scheme 2023. Collection method: clinical testing. Allele origin: germline.

Cancer Genomics Group, Japanese Foundation For Cancer Research
Classification: Uncertain significance for Hereditary breast and ovarian cancer syndrome. Last evaluated: 2019-05-01. Review status: criteria provided, single submitter. Criteria: ACMG Guidelines, 2015. Collection method: research. Allele origin: germline. Affected: yes.

NM_021930.6(RINT1):c.311G>A (p.Arg104Gln)

Gene: RINT1 (RAD50 interactor 1; plus strand). Cytogenetic location: 7q22.3.
Variant type: single nucleotide variant.
Coding change: c.311G>A on transcript NM_021930.6 (MANE Select); coding-DNA position 311, G replaced by A.
Protein change: p.Arg104Gln; replaces arginine 104 with glutamine.
Molecular consequence: missense variant. On other transcripts: 5 prime UTR variant (3), non-coding transcript variant (1).
Genome position (GRCh38, 1-based): chr7:105,542,445, G>A. VCF-style: chr7-105542445-G-A. GRCh37 (hg19) VCF-style: chr7-105182892-G-A.
Other names: c.311G>A (NM_021930.4); c.77G>A, p.Arg26Gln (NM_001346599.2); c.-709G>A (NM_001346600.2); c.-612G>A (NM_001346601.2); c.-232G>A (NM_001346603.2); short protein forms R104Q, R26Q.
Identifiers: ClinVar variation 830289 (VCV000830289.12), dbSNP rs866948739, ClinGen allele CA164048588.